The following is an entry in ClinVar:

ClinVar aggregate classification (germline): Uncertain significance (1 of 4 stars; one submission).

Submission:

Labcorp Genetics (formerly Invitae), Labcorp
Classification: Uncertain significance. Last evaluated: 2021-02-22. Review status: criteria provided, single submitter. Criteria: Invitae Variant Classification Sherloc (09022015). Collection method: clinical testing. Allele origin: germline.
Comment: Nucleotide substitutions within the consensus splice site are a relatively common cause of aberrant splicing (PMID: 17576681, 9536098). Experimental studies and prediction algorithms are not available or were not evaluated, and the effect of this variant on mRNA splicing is currently unknown. In summary, the available evidence is currently insufficient to determine the role of this variant in disease. Therefore, it has been classified as a Variant of Uncertain Significance. This variant has not been reported in the literature in individuals with HYOU1-related conditions. This variant is not present in population databases (ExAC no frequency). This sequence change falls in intron 13 of the HYOU1 gene. It does not directly change the encoded amino acid sequence of the HYOU1 protein. It affects a nucleotide within the consensus splice site of the intron.

Literature cited by the submitters: PubMed 17576681; PubMed 9536098.

NM_006389.5(HYOU1):c.1526+6G>A

Gene: HYOU1 (hypoxia up-regulated 1; minus strand). Cytogenetic location: 11q23.3.
Variant type: single nucleotide variant.
Coding change: c.1526+6G>A on transcript NM_006389.5 (MANE Select); 6 bases into the intron after coding-DNA position 1526, G replaced by A.
Molecular consequence: intron variant.
Genome position (GRCh38, 1-based): chr11:119,051,432, C>T on the plus strand (G>A on the coding strand, the complement: HYOU1 is on the minus strand). VCF-style: chr11-119051432-C-T. GRCh37 (hg19) VCF-style: chr11-118922144-C-T.
Other names: c.1526+6G>A (NM_001130991.3).
Identifiers: ClinVar variation 1440371 (VCV001440371.6), dbSNP rs1944433339, ClinGen allele CA2573146978.